The following is an entry in ClinVar:

ClinVar aggregate classification (germline): Pathogenic (1 of 4 stars; one submission).

Conditions:
Neurofibromatosis, type 1 (NF1). Also called: Peripheral type neurofibromatosis; VON RECKLINGHAUSEN DISEASE; NEUROFIBROMATOSIS, TYPE I, SOMATIC; Neurofibromatosis, type I. Identifiers: Orphanet 636, MedGen C0027831, MONDO:0018975, OMIM 162200. Disease mechanism: loss of function.

Submission:

Labcorp Genetics (formerly Invitae), Labcorp
Classification: Pathogenic for Neurofibromatosis, type 1. Last evaluated: 2024-08-06. Review status: criteria provided, single submitter. Criteria: Invitae Variant Classification Sherloc (09022015). Collection method: clinical testing. Allele origin: germline.
Comment: This sequence change falls in intron 10 of the NF1 gene. It does not directly change the encoded amino acid sequence of the NF1 protein. RNA analysis indicates that this variant induces altered splicing and may result in an absent or altered protein product. This variant is not present in population databases (gnomAD no frequency). This variant has been observed in individual(s) with neurofibromatosis, type 1 (Invitae). Variants that disrupt the consensus splice site are a relatively common cause of aberrant splicing (PMID: 17576681, 9536098). Studies have shown that this variant results in skipping of exon 10, and produces a non-functional protein and/or introduces a premature termination codon (Invitae). For these reasons, this variant has been classified as Pathogenic.

Literature cited by the submitters: PubMed 17576681; PubMed 9536098.

NM_001042492.3(NF1):c.1185+2dup

Gene: NF1 (neurofibromin 1; plus strand). Cytogenetic location: 17q11.2.
Variant type: Duplication.
Coding change: c.1185+2dup on transcript NM_001042492.3 (MANE Select); the canonical splice donor site of the intron after coding-DNA position 1185, one base duplicated (T; older notation c.1185+2dupT).
Molecular consequence: splice donor variant.
Genome position (GRCh38, 1-based): chr17:31,201,161, T duplicated. VCF-style (leftmost placement, unchanged base first): chr17-31201160-G-GT. GRCh37 (hg19) VCF-style: chr17-29528178-G-GT.
Other names: c.1185+2dup (NM_000267.4, NM_001128147.3).
Identifiers: ClinVar variation 3661616 (VCV003661616.2).